The following is an entry in ClinVar:

NM_018003.4(UACA):c.1374A>C (p.Gln458His)

Gene: UACA (uveal autoantigen with coiled-coil domains and ankyrin repeats; minus strand). Cytogenetic location: 15q23.
Variant type: single nucleotide variant.
Coding change: c.1374A>C on transcript NM_018003.4 (MANE Select); coding-DNA position 1374, A replaced by C.
Protein change: p.Gln458His; replaces glutamine 458 with histidine.
Molecular consequence: missense variant.
Genome position (GRCh38, 1-based): chr15:70,669,310, T>G on the plus strand (A>C on the coding strand, the complement: UACA is on the minus strand). VCF-style: chr15-70669310-T-G. GRCh37 (hg19) VCF-style: chr15-70961649-T-G.
Other names: c.1335A>C, p.Gln445His (NM_001008224.3); short protein forms Q458H, Q445H.
Identifiers: ClinVar variation 437187 (VCV000437187.9), dbSNP rs78821209, ClinGen allele CA7637153.
Genomic context (GRCh38, chr15:70,669,310, plus strand): 5'-TGCTAAAGCTTTGCATTCTGCCACTTTGTGTGCCAGTTCATTTTGGAGCTTCAGTCGGTC[T>G]TGTTTTGCTGACTCACAGAAAGTTCGCATTGCTTCTAACTCTTTCTTTAAAATTTCATTT-3'
Protein context (NP_060473.2, residues 448-468): AMRTFCESAK[Gln458His]DRLKLQNELA

ClinVar aggregate classification (germline): Likely benign. Review status: criteria provided, multiple submitters, no conflicts (2 of 4 stars). 3 submissions from 3 submitters: Likely benign (2). 1 of the submissions does not count toward it. Last evaluated 2016-08-16.

Conditions:
UACA-related disorder. Also called: UACA-related condition.

Allele frequency attached by ClinVar (database versions not stated): 1000 Genomes Project 30x 0.00156; 1000 Genomes Project 0.00180; TOPMed 0.00220; gnomAD 0.00230 and 0.00233; ESP Exome Variant Server 0.00308.
gnomAD v4.1: 5,051 of 1,614,134 alleles (0.31%); highest among the groups gnomAD compares: Non-Finnish European, 0.38%; 12 homozygotes.

Submissions (3):

Genetic Services Laboratory, University of Chicago
Classification: Likely benign. Last evaluated: 2016-08-16. Review status: criteria provided, single submitter. Criteria: ACMG Guidelines, 2015. Collection method: clinical testing. Allele origin: germline. Affected: no.

Breakthrough Genomics
Classification: Likely benign. Review status: criteria provided, single submitter. Criteria: ACMG Guidelines, 2015. Collection method: not provided. Allele origin: germline. Inheritance: Unknown mechanism. Affected: yes.

PreventionGenetics, part of Exact Sciences
Classification: Likely benign for UACA-related condition. Last evaluated: 2020-09-29. Review status: no assertion criteria provided. Collection method: clinical testing. Allele origin: germline. Not counted in ClinVar's aggregate classification.
Comment: This variant is classified as likely benign based on ACMG/AMP sequence variant interpretation guidelines (Richards et al. 2015 PMID: 25741868, with internal and published modifications).